The following is an entry in ClinVar:

NM_016612.4(SLC25A37):c.420A>G (p.Gly140=)

Gene: SLC25A37 (solute carrier family 25 member 37; plus strand). Cytogenetic location: 8p21.2.
Variant type: single nucleotide variant.
Coding change: c.420A>G on transcript NM_016612.4 (MANE Select); coding-DNA position 420, A replaced by G.
Protein change: p.Gly140=; no amino-acid change (glycine 140 retained).
Molecular consequence: synonymous variant. On other transcripts: 5 prime UTR variant (1).
Genome position (GRCh38, 1-based): chr8:23,566,317, A>G. VCF-style: chr8-23566317-A-G. GRCh37 (hg19) VCF-style: chr8-23423830-A-G.
Other names: c.-511A>G (NM_001317812.2); c.204A>G, p.Gly68= (NM_001317813.2, NM_001317814.2).
Identifiers: ClinVar variation 2658482 (VCV002658482.24), dbSNP rs376194584, ClinGen allele CA4677518.

ClinVar aggregate classification (germline): Likely benign (1 of 4 stars; one submission).

Allele frequency attached by ClinVar (database versions not stated): TOPMed 0.00011; 1000 Genomes Project 30x 0.00016; ESP Exome Variant Server 0.00016; 1000 Genomes Project 0.00020; gnomAD exomes 0.00022; ExAC 0.00027; gnomAD 0.00031.
gnomAD v4.1: 350 of 1,593,186 alleles (0.022%); highest among the groups gnomAD compares: Non-Finnish European, 0.017%; no homozygotes.

Submission:

CeGaT Center for Human Genetics Tuebingen
Classification: Likely benign. Last evaluated: 2023-01-01. Review status: criteria provided, single submitter. Criteria: CeGaT Center For Human Genetics Tuebingen Variant Classification Criteria Version 2. Collection method: clinical testing. Allele origin: germline. Affected: yes. Observed: 1 variant allele.
Comment: SLC25A37: BP4, BP7